The following is an entry in ClinVar:

NM_001903.5(CTNNA1):c.276T>G (p.Ala92=)

Gene: CTNNA1 (catenin alpha 1; plus strand). Cytogenetic location: 5q31.2.
Variant type: single nucleotide variant.
Coding change: c.276T>G on transcript NM_001903.5 (MANE Select); coding-DNA position 276, T replaced by G.
Protein change: p.Ala92=; no amino-acid change (alanine 92 retained).
Molecular consequence: synonymous variant. On other transcripts: intron variant (2).
Genome position (GRCh38, 1-based): chr5:138,783,347, T>G. VCF-style: chr5-138783347-T-G. GRCh37 (hg19) VCF-style: chr5-138119036-T-G.
Other names: c.276T>G, p.Ala92= (NM_001290307.3, NM_001323982.2, NM_001323983.1 and 3 more transcripts); c.-6+75T>G (NM_001290310.3); c.-9+1318T>G (NM_001290309.3).
Identifiers: ClinVar variation 3727683 (VCV003727683.3).

ClinVar aggregate classification (germline): Benign/Likely benign. Review status: criteria provided, multiple submitters, no conflicts (2 of 4 stars). 2 submissions from 2 submitters: Benign (1); Likely benign (1). Last evaluated 2024-12-20.

Conditions:
Hereditary diffuse gastric adenocarcinoma (HDGC). Also called: DIFFUSE GASTRIC AND LOBULAR BREAST CANCER SYNDROME. Identifiers: Orphanet 26106, MedGen C1708349, MONDO:0007648, OMIM 137215.

Submissions (2):

Labcorp Genetics (formerly Invitae), Labcorp
Classification: Likely benign. Last evaluated: 2024-12-20. Review status: criteria provided, single submitter. Criteria: Invitae Variant Classification Sherloc (09022015). Collection method: clinical testing. Allele origin: germline.

Myriad Genetics, Inc.
Classification: Benign for Hereditary diffuse gastric adenocarcinoma. Last evaluated: 2024-10-09. Review status: criteria provided, single submitter. Criteria: Myriad Autosomal Dominant, Autosomal Recessive and X-Linked Classification Criteria (2023). Collection method: clinical testing. Allele origin: unknown.
Comment: This variant is considered benign. This variant is a silent/synonymous amino acid change and it is not expected to impact splicing.